The following is an entry in ClinVar:

NM_006231.4(POLE):c.3835T>C (p.Trp1279Arg)

Gene: POLE (DNA polymerase epsilon, catalytic subunit; minus strand). Cytogenetic location: 12q24.33.
Variant type: single nucleotide variant.
Coding change: c.3835T>C on transcript NM_006231.4 (MANE Select); coding-DNA position 3835, T replaced by C.
Protein change: p.Trp1279Arg; replaces tryptophan 1279 with arginine.
Molecular consequence: missense variant.
Genome position (GRCh38, 1-based): chr12:132,649,476, A>G on the plus strand (T>C on the coding strand, the complement: POLE is on the minus strand). VCF-style: chr12-132649476-A-G. GRCh37 (hg19) VCF-style: chr12-133226062-A-G.
Other names: short protein forms W1279R.
Identifiers: ClinVar variation 4802294 (VCV004802294.1).
Genomic context (GRCh38, chr12:132,649,476, plus strand): 5'-CTGCCGACTCCAGACGCTGCCTCTTCCTGCGGGCGAGGCGCTGCCGGGCCTGCAGCTGCC[A>G]CTTCTTCTTGTGGAACCGGAGCCAGACAAGCCATTCCTCCTGGGATGGATGGTGAGCACA-3'
Protein context (NP_006222.2, residues 1269-1289): LVWLRFHKKK[Trp1279Arg]QLQARQRLAR

ClinVar aggregate classification (germline): Uncertain significance (1 of 4 stars; one submission).

gnomAD v4.1: 1 of 1,612,310 alleles (0.000062%); highest among the groups gnomAD compares: Non-Finnish European, 0.000085%; no homozygotes.

Submission:

Labcorp Genetics (formerly Invitae), Labcorp
Classification: Uncertain significance. Last evaluated: 2025-08-24. Review status: criteria provided, single submitter. Criteria: Invitae Variant Classification Sherloc (09022015). Collection method: clinical testing. Allele origin: germline.
Comment: This sequence change replaces tryptophan, which is neutral and slightly polar, with arginine, which is basic and polar, at codon 1279 of the POLE protein (p.Trp1279Arg). This variant is not present in population databases (gnomAD no frequency). This variant has not been reported in the literature in individuals affected with POLE-related conditions. Invitae Evidence Modeling of protein sequence and biophysical properties (such as structural, functional, and spatial information, amino acid conservation, physicochemical variation, residue mobility, and thermodynamic stability) indicates that this missense variant is expected to disrupt POLE protein function with a positive predictive value of 80%. In summary, the available evidence is currently insufficient to determine the role of this variant in disease. Therefore, it has been classified as a Variant of Uncertain Significance.